The following is an entry in ClinVar:

NM_001385125.1(OPN1SW):c.737G>A (p.Arg246His)

Gene: OPN1SW (opsin 1, short wave sensitive; minus strand). Cytogenetic location: 7q32.1.
Variant type: single nucleotide variant.
Coding change: c.737G>A on transcript NM_001385125.1 (MANE Select); coding-DNA position 737, G replaced by A.
Protein change: p.Arg246His; replaces arginine 246 with histidine.
Molecular consequence: missense variant.
Genome position (GRCh38, 1-based): chr7:128,773,830, C>T on the plus strand (G>A on the coding strand, the complement: OPN1SW is on the minus strand). VCF-style: chr7-128773830-C-T. GRCh37 (hg19) VCF-style: chr7-128413884-C-T.
Other names: NM_001708.2:c.746G>A; short protein forms R246H.
Identifiers: ClinVar variation 1952622 (VCV001952622.7), dbSNP rs777352208, ClinGen allele CA4472844.

ClinVar aggregate classification (germline): Conflicting classifications of pathogenicity. Review status: criteria provided, conflicting classifications (1 of 4 stars). 2 submissions from 2 submitters: Uncertain significance (1); Likely benign (1). Last evaluated 2025-08-24.

Allele frequency attached by ClinVar (database versions not stated): ExAC 0.00002; gnomAD exomes 0.00001; gnomAD 0.00003; TOPMed 0.00001.

Submissions (2):

Labcorp Genetics (formerly Invitae), Labcorp
Classification: Uncertain significance. Last evaluated: 2025-08-24. Review status: criteria provided, single submitter. Criteria: Invitae Variant Classification Sherloc (09022015). Collection method: clinical testing. Allele origin: germline.
Comment: This sequence change replaces arginine, which is basic and polar, with histidine, which is basic and polar, at codon 249 of the OPN1SW protein (p.Arg249His). This variant is present in population databases (rs777352208, gnomAD 0.01%). This variant has not been reported in the literature in individuals affected with OPN1SW-related conditions. ClinVar contains an entry for this variant (Variation ID: 1952622). An algorithm developed to predict the effect of missense changes on protein structure and function outputs the following: PolyPhen-2: "Benign". The histidine amino acid residue is found in multiple mammalian species, which suggests that this missense change does not adversely affect protein function. In summary, the available evidence is currently insufficient to determine the role of this variant in disease. Therefore, it has been classified as a Variant of Uncertain Significance.

Ambry Genetics
Classification: Likely benign. Last evaluated: 2023-03-06. Review status: criteria provided, single submitter. Criteria: Ambry Variant Classification Scheme 2023. Collection method: clinical testing. Allele origin: germline.